The following is an entry in ClinVar:

ClinVar aggregate classification (germline): Uncertain significance (1 of 4 stars; one submission).

Conditions:
Dextro-looped transposition of the great arteries. Also called: Dextrotransposition of the great arteries. Identifiers: Orphanet 860, MedGen C3531771, MONDO:0019443, OMIM 608808, HP:0031348.

Allele frequency attached by ClinVar (database versions not stated): ExAC 0.00001; gnomAD 0.00001; gnomAD exomes 0.00001; TOPMed 0.00001; ESP Exome Variant Server 0.00008.
gnomAD v4.1: 10 of 1,613,978 alleles (0.00062%); highest among the groups gnomAD compares: Non-Finnish European, 0.00085%; no homozygotes.

Submission:

Labcorp Genetics (formerly Invitae), Labcorp
Classification: Uncertain significance for Dextro-looped transposition of the great arteries. Last evaluated: 2024-08-12. Review status: criteria provided, single submitter. Criteria: Invitae Variant Classification Sherloc (09022015). Collection method: clinical testing. Allele origin: germline.
Comment: This sequence change replaces serine, which is neutral and polar, with proline, which is neutral and non-polar, at codon 940 of the MED13L protein (p.Ser940Pro). This variant is present in population databases (rs374395763, gnomAD 0.002%). This variant has not been reported in the literature in individuals affected with MED13L-related conditions. ClinVar contains an entry for this variant (Variation ID: 2197594). Advanced modeling of protein sequence and biophysical properties (such as structural, functional, and spatial information, amino acid conservation, physicochemical variation, residue mobility, and thermodynamic stability) performed at Invitae indicates that this missense variant is not expected to disrupt MED13L protein function with a negative predictive value of 80%. In summary, the available evidence is currently insufficient to determine the role of this variant in disease. Therefore, it has been classified as a Variant of Uncertain Significance.

NM_015335.5(MED13L):c.2818T>C (p.Ser940Pro)

Gene: MED13L (mediator complex subunit 13L; minus strand). Cytogenetic location: 12q24.21.
Variant type: single nucleotide variant.
Coding change: c.2818T>C on transcript NM_015335.5 (MANE Select); coding-DNA position 2818, T replaced by C.
Protein change: p.Ser940Pro; replaces serine 940 with proline.
Molecular consequence: missense variant.
Genome position (GRCh38, 1-based): chr12:115,996,654, A>G on the plus strand (T>C on the coding strand, the complement: MED13L is on the minus strand). VCF-style: chr12-115996654-A-G. GRCh37 (hg19) VCF-style: chr12-116434459-A-G.
Other names: short protein forms S940P.
Identifiers: ClinVar variation 2197594 (VCV002197594.4), dbSNP rs374395763, ClinGen allele CA6811091.